The following is an entry in ClinVar:

NM_001298.3(CNGA3):c.1642G>A (p.Gly548Arg)

Gene: CNGA3 (cyclic nucleotide gated channel subunit alpha 3; plus strand). Cytogenetic location: 2q11.2.
Variant type: single nucleotide variant.
Coding change: c.1642G>A on transcript NM_001298.3 (MANE Select); coding-DNA position 1642, G replaced by A.
Protein change: p.Gly548Arg; replaces glycine 548 with arginine.
Molecular consequence: missense variant.
Genome position (GRCh38, 1-based): chr2:98,396,812, G>A. VCF-style: chr2-98396812-G-A. GRCh37 (hg19) VCF-style: chr2-99013275-G-A.
Other names: c.1588G>A, p.Gly530Arg (NM_001079878.2); short protein forms G530R, G548R.
Identifiers: ClinVar variation 812283 (VCV000812283.12), dbSNP rs781227859, ClinGen allele CA1794058.

ClinVar aggregate classification (germline): Pathogenic. Review status: criteria provided, multiple submitters, no conflicts (2 of 4 stars). 5 submissions from 5 submitters: Pathogenic (4). 1 of the submissions does not count toward it. Last evaluated 2024-03-19.

Conditions:
Achromatopsia 2 (ACHM2). Also called: COLORBLINDNESS, TOTAL; ROD MONOCHROMACY 2; ROD MONOCHROMATISM 2. Identifiers: Orphanet 49382, MedGen C1857618, MONDO:0009003, OMIM 216900.
Achromatopsia. Also called: Rod monochromatism. Identifiers: Orphanet 49382, MedGen C0152200, MONDO:0018852, HP:0011516.
CNGA3-related disorders.

Allele frequency attached by ClinVar (database versions not stated): TOPMed below 0.00001; gnomAD 0.00001; ExAC 0.00002; gnomAD exomes 0.00002.
gnomAD v4.1: 28 of 1,614,166 alleles (0.0017%); highest among the groups gnomAD compares: East Asian, 0.0045%; no homozygotes.

Submissions (5):

Blueprint Genetics
Classification: Pathogenic for CNGA3-related disorders. Last evaluated: 2024-03-19. Review status: criteria provided, single submitter. Criteria: ACMG Guidelines, 2015. Collection method: clinical testing. Allele origin: germline. Affected: yes. Observed: 5 variant alleles.

Labcorp Genetics (formerly Invitae), Labcorp
Classification: Pathogenic. Last evaluated: 2024-02-26. Review status: criteria provided, single submitter. Criteria: Invitae Variant Classification Sherloc (09022015). Collection method: clinical testing. Allele origin: germline.
Comment: This sequence change replaces glycine, which is neutral and non-polar, with arginine, which is basic and polar, at codon 548 of the CNGA3 protein (p.Gly548Arg). This variant is present in population databases (rs781227859, gnomAD 0.006%). This missense change has been observed in individual(s) with clinical features of achromatopsia (PMID: 14757870, 24148654, 25616768, 25637600, 28159970). In at least one individual the data is consistent with being in trans (on the opposite chromosome) from a pathogenic variant. ClinVar contains an entry for this variant (Variation ID: 812283). Advanced modeling of protein sequence and biophysical properties (such as structural, functional, and spatial information, amino acid conservation, physicochemical variation, residue mobility, and thermodynamic stability) performed at Invitae indicates that this missense variant is expected to disrupt CNGA3 protein function with a positive predictive value of 95%. For these reasons, this variant has been classified as Pathogenic.

Fulgent Genetics
Classification: Pathogenic for Achromatopsia 2. Last evaluated: 2024-01-23. Review status: criteria provided, single submitter. Criteria: ACMG Guidelines, 2015. Collection method: clinical testing. Allele origin: germline.

Institute of Medical Genetics and Applied Genomics, University Hospital Tübingen
Classification: Pathogenic for Achromatopsia 2. Last evaluated: 2023-09-27. Review status: criteria provided, single submitter. Criteria: ACMG Guidelines, 2015. Collection method: clinical testing. Allele origin: germline. Inheritance: Autosomal recessive inheritance. Affected: yes.

Sharon lab, Hadassah-Hebrew University Medical Center
Classification: Likely pathogenic for achromatopsia. Last evaluated: 2019-06-23. Review status: no assertion criteria provided. Collection method: research. Allele origin: inherited. Affected: yes. Not counted in ClinVar's aggregate classification.

Literature cited by the submitters: PubMed 14757870 (cited by Labcorp Genetics (formerly Invitae), Labcorp); PubMed 24148654 (cited by Labcorp Genetics (formerly Invitae), Labcorp); PubMed 25616768 (cited by Labcorp Genetics (formerly Invitae), Labcorp); PubMed 25637600 (cited by Labcorp Genetics (formerly Invitae), Labcorp); PubMed 28159970 (cited by Labcorp Genetics (formerly Invitae), Labcorp).